The following is an entry in ClinVar:

NM_002890.3(RASA1):c.1030G>C (p.Asp344His)

Genes: CCNH (cyclin H; minus strand), RASA1 (RAS p21 protein activator 1; plus strand). Cytogenetic location: 5q14.3.
Variant type: single nucleotide variant.
Coding change: c.1030G>C on transcript NM_002890.3 (MANE Select); coding-DNA position 1030, G replaced by C.
Protein change: p.Asp344His; replaces aspartic acid 344 with histidine.
Molecular consequence: missense variant. On other transcripts: intron variant (1).
Genome position (GRCh38, 1-based): chr5:87,341,302, G>C. VCF-style: chr5-87341302-G-C. GRCh37 (hg19) VCF-style: chr5-86637119-G-C.
Other names: c.499G>C, p.Asp167His (NM_022650.3); c.934-28507C>G (NM_001364075.2); short protein forms D167H, D344H.
Identifiers: ClinVar variation 3622175 (VCV003622175.2).

ClinVar aggregate classification (germline): Uncertain significance (1 of 4 stars; one submission).

Conditions:
Capillary malformation-arteriovenous malformation syndrome. Also called: Capillary malformation-arteriovenous malformation. Identifiers: Orphanet 137667, MedGen C1842180, MONDO:0012016.

Submission:

Labcorp Genetics (formerly Invitae), Labcorp
Classification: Uncertain significance for Capillary malformation-arteriovenous malformation syndrome. Last evaluated: 2025-10-15. Review status: criteria provided, single submitter. Criteria: Invitae Variant Classification Sherloc (09022015). Collection method: clinical testing. Allele origin: germline.
Comment: This sequence change replaces aspartic acid, which is acidic and polar, with histidine, which is basic and polar, at codon 344 of the RASA1 protein (p.Asp344His). This variant is not present in population databases (gnomAD no frequency). This variant has not been reported in the literature in individuals affected with RASA1-related conditions. ClinVar contains an entry for this variant (Variation ID: 3622175). An algorithm developed to predict the effect of missense changes on protein structure and function (PolyPhen-2) suggests that this variant is likely to be disruptive. In summary, the available evidence is currently insufficient to determine the role of this variant in disease. Therefore, it has been classified as a Variant of Uncertain Significance.